The following is an entry in ClinVar:

ClinVar aggregate classification (germline): Uncertain significance. Review status: criteria provided, multiple submitters, no conflicts (2 of 4 stars). 2 submissions from 2 submitters: Uncertain significance (2). Last evaluated 2025-09-25.

Conditions:
Inborn genetic diseases. Identifiers: MedGen C0950123, MeSH D030342.

gnomAD v4.1: 67 of 1,614,024 alleles (0.0042%); highest among the groups gnomAD compares: Non-Finnish European, 0.0053%; no homozygotes.

Submissions (2):

Labcorp Genetics (formerly Invitae), Labcorp
Classification: Uncertain significance. Last evaluated: 2025-09-25. Review status: criteria provided, single submitter. Criteria: Invitae Variant Classification Sherloc (09022015). Collection method: clinical testing. Allele origin: germline.
Comment: This sequence change replaces leucine, which is neutral and non-polar, with methionine, which is neutral and non-polar, at codon 784 of the FAT4 protein (p.Leu784Met). This variant is present in population databases (rs752824313, gnomAD 0.002%). This variant has not been reported in the literature in individuals affected with FAT4-related conditions. ClinVar contains an entry for this variant (Variation ID: 4023286). Invitae Evidence Modeling of protein sequence and biophysical properties (such as structural, functional, and spatial information, amino acid conservation, physicochemical variation, residue mobility, and thermodynamic stability) indicates that this missense variant is not expected to disrupt FAT4 protein function with a negative predictive value of 80%. In summary, the available evidence is currently insufficient to determine the role of this variant in disease. Therefore, it has been classified as a Variant of Uncertain Significance.

Ambry Genetics
Classification: Uncertain significance for Inborn genetic diseases. Last evaluated: 2025-05-17. Review status: criteria provided, single submitter. Criteria: Ambry Variant Classification Scheme 2023. Collection method: clinical testing. Allele origin: germline.

NM_001291303.3(FAT4):c.2350T>A (p.Leu784Met)

Gene: FAT4 (FAT atypical cadherin 4; plus strand). Cytogenetic location: 4q28.1.
Variant type: single nucleotide variant.
Coding change: c.2350T>A on transcript NM_001291303.3 (MANE Select); coding-DNA position 2350, T replaced by A.
Protein change: p.Leu784Met; replaces leucine 784 with methionine.
Molecular consequence: missense variant.
Genome position (GRCh38, 1-based): chr4:125,318,761, T>A. VCF-style: chr4-125318761-T-A. GRCh37 (hg19) VCF-style: chr4-126239916-T-A.
Other names: c.2350T>A, p.Leu784Met (NM_001291285.3, NM_024582.6); short protein forms L784M.
Identifiers: ClinVar variation 4023286 (VCV004023286.2).